The following is an entry in ClinVar:

ClinVar aggregate classification (germline): Uncertain significance (1 of 4 stars; one submission).

Submission:

GeneDx
Classification: Uncertain significance. Last evaluated: 2023-02-03. Review status: criteria provided, single submitter. Criteria: GeneDx Variant Classification Process June 2021. Collection method: clinical testing. Allele origin: germline. Affected: yes.
Comment: Not observed at significant frequency in large population cohorts (gnomAD); In silico analysis supports that this missense variant does not alter protein structure/function; Has not been previously published as pathogenic or benign to our knowledge

NM_001009999.3(KDM1A):c.92C>G (p.Ser31Cys)

Gene: KDM1A (lysine demethylase 1A; plus strand). Cytogenetic location: 1p36.12.
Variant type: single nucleotide variant.
Coding change: c.92C>G on transcript NM_001009999.3 (MANE Select); coding-DNA position 92, C replaced by G.
Protein change: p.Ser31Cys; replaces serine 31 with cysteine.
Molecular consequence: missense variant.
Genome position (GRCh38, 1-based): chr1:23,019,688, C>G. VCF-style: chr1-23019688-C-G. GRCh37 (hg19) VCF-style: chr1-23346181-C-G.
Other names: c.92C>G, p.Ser31Cys (NM_001363654.2, NM_001410762.1, NM_001410763.1 and 1 more transcripts); short protein forms S31C.
Identifiers: ClinVar variation 2578302 (VCV002578302.1), dbSNP rs2522470628, ClinGen allele CA338950359.